The following is an entry in ClinVar:

NM_153603.4(COG7):c.1476-3C>T

Gene: COG7 (component of oligomeric golgi complex 7; minus strand). Cytogenetic location: 16p12.2.
Variant type: single nucleotide variant.
Coding change: c.1476-3C>T on transcript NM_153603.4 (MANE Select); 3 bases into the intron before coding-DNA position 1476, C replaced by T.
Molecular consequence: intron variant.
Genome position (GRCh38, 1-based): chr16:23,406,265, G>A on the plus strand (C>T on the coding strand, the complement: COG7 is on the minus strand). VCF-style: chr16-23406265-G-A. GRCh37 (hg19) VCF-style: chr16-23417586-G-A.
Identifiers: ClinVar variation 668328 (VCV000668328.5), dbSNP rs551490261, ClinGen allele CA7960950.

ClinVar aggregate classification (germline): Conflicting classifications of pathogenicity. Review status: criteria provided, conflicting classifications (1 of 4 stars). 2 submissions from 2 submitters: Uncertain significance (1); Likely benign (1). Last evaluated 2024-01-29.

Conditions:
COG7 congenital disorder of glycosylation (CDG2E). Also called: CONGENITAL DISORDER OF GLYCOSYLATION, TYPE IIe; CDG IIe. Identifiers: Orphanet 79333, MedGen C2931010, MONDO:0012118, OMIM 608779.

Allele frequency attached by ClinVar (database versions not stated): gnomAD 0.00006 and 0.00007; gnomAD exomes 0.00008 and 0.00012; TOPMed 0.00008; ExAC 0.00012; 1000 Genomes Project 0.00020; 1000 Genomes Project 30x 0.00031.
gnomAD v4.1: 129 of 1,613,244 alleles (0.008%); highest among the groups gnomAD compares: Non-Finnish European, 0.01%; no homozygotes.

Submissions (2):

Labcorp Genetics (formerly Invitae), Labcorp
Classification: Uncertain significance for COG7 congenital disorder of glycosylation. Last evaluated: 2024-01-29. Review status: criteria provided, single submitter. Criteria: Invitae Variant Classification Sherloc (09022015). Collection method: clinical testing. Allele origin: germline.
Comment: This sequence change falls in intron 11 of the COG7 gene. It does not directly change the encoded amino acid sequence of the COG7 protein. It affects a nucleotide within the consensus splice site. This variant is present in population databases (rs551490261, gnomAD 0.02%). This variant has not been reported in the literature in individuals affected with COG7-related conditions. ClinVar contains an entry for this variant (Variation ID: 668328). Variants that disrupt the consensus splice site are a relatively common cause of aberrant splicing (PMID: 17576681, 9536098). Algorithms developed to predict the effect of sequence changes on RNA splicing suggest that this variant is not likely to affect RNA splicing. In summary, the available evidence is currently insufficient to determine the role of this variant in disease. Therefore, it has been classified as a Variant of Uncertain Significance.

GeneDx
Classification: Likely benign. Last evaluated: 2018-05-23. Review status: criteria provided, single submitter. Criteria: GeneDx Variant Classification (06012015). Collection method: clinical testing. Allele origin: germline. Affected: yes.
Comment: This variant is considered likely benign or benign based on one or more of the following criteria: it is a conservative change, it occurs at a poorly conserved position in the protein, it is predicted to be benign by multiple in silico algorithms, and/or has population frequency not consistent with disease.

Literature cited by the submitters: PubMed 17576681 (cited by Labcorp Genetics (formerly Invitae), Labcorp); PubMed 9536098 (cited by Labcorp Genetics (formerly Invitae), Labcorp).